The following is an entry in ClinVar:

ClinVar aggregate classification (germline): Uncertain significance (1 of 4 stars; one submission).

Conditions:
Familial adenomatous polyposis 1 (FAP1). Also called: FAMILIAL ADENOMATOUS POLYPOSIS 1, ATTENUATED; POLYPOSIS, ADENOMATOUS INTESTINAL. Identifiers: MedGen C2713442, MONDO:0021056, OMIM 175100. Disease mechanism: loss of function.

Submission:

St. Jude Molecular Pathology, St. Jude Children's Research Hospital
Classification: Uncertain significance for Familial adenomatous polyposis 1. Last evaluated: 2026-02-11. Review status: criteria provided, single submitter. Criteria: St. Jude Assertion Criteria 2020. Collection method: clinical testing. Allele origin: germline.
Comment: The APC c.5026_5034delinsGGAGGA p.(Arg1676del) change results from the deletion of 9 nucleotides and insertion of 6 nucleotides, resulting in an in-frame deletion of one amino acid at codon 1676. This variant is absent in gnomAD v2.1.1. To our knowledge, this variant has not been reported in the literature in individuals with APC-related disease. In summary, the evidence currently available is insufficient to determine the clinical significance of this variant. It has therefore been classified as of uncertain significance.

NM_000038.6(APC):c.5026_5034delinsGGAGGA (p.Arg1676del)

Gene: APC (APC regulator of Wnt signaling pathway; plus strand). Cytogenetic location: 5q22.2.
Variant type: Indel.
Coding change: c.5026_5034delinsGGAGGA on transcript NM_000038.6 (MANE Select); coding-DNA positions 5026 to 5034, AGAGGAGGG replaced by GGAGGA.
Protein change: p.Arg1676del; deletes arginine 1676.
Molecular consequence: non-coding transcript variant (on NR_176365.1).
Genome position (GRCh38, 1-based): chr5:112,840,620-112,840,628, AGAGGAGGG replaced by GGAGGA. VCF-style: chr5-112840620-AGAGGAGGG-GGAGGA. GRCh37 (hg19) VCF-style: chr5-112176317-AGAGGAGGG-GGAGGA.
Other names: c.5026_5034delinsGGAGGA, p.Arg1676del (NM_001127510.3, NM_001354895.2, NM_001407450.1); c.4972_4980delinsGGAGGA, p.Arg1658del (NM_001127511.3); c.5080_5088delinsGGAGGA, p.Arg1694del (NM_001354896.2, NM_001407447.1, NM_001407448.1 and 1 more transcripts); c.5056_5064delinsGGAGGA, p.Arg1686del (NM_001354897.2); c.4951_4959delinsGGAGGA, p.Arg1651del (NM_001354898.2); c.4942_4950delinsGGAGGA, p.Arg1648del (NM_001354899.2); c.4903_4911delinsGGAGGA, p.Arg1635del (NM_001354900.2); c.4849_4857delinsGGAGGA, p.Arg1617del (NM_001354901.2, NM_001407453.1); and 11 more; short protein forms R1292del, R1393del, R1516del, R1547del, R1550del, R1575del, R1585del, R1593del.
Identifiers: ClinVar variation 4813144 (VCV004813144.1).
Genomic context (GRCh38, chr5:112,840,620, plus strand): 5'-TCTCTAAGTGATCTAACAATCGAATCCCCTCCAAATGAGTTAGCTGCTGGAGAAGGAGTT[AGAGGAGGG>GGAGGA]GCACAGTCAGGTGAATTTGAAAAACGAGATACCATTCCTACAGAAGGCAGAAGTACAGAT-3'